The following is an entry in ClinVar:

NM_001184880.2(PCDH19):c.2056G>A (p.Gly686Ser)

Gene: PCDH19 (protocadherin 19; minus strand). Cytogenetic location: Xq22.1.
Variant type: single nucleotide variant.
Coding change: c.2056G>A on transcript NM_001184880.2 (MANE Select); coding-DNA position 2056, G replaced by A.
Protein change: p.Gly686Ser; replaces glycine 686 with serine.
Molecular consequence: missense variant.
Genome position (GRCh38, 1-based): chrX:100,406,542, C>T on the plus strand (G>A on the coding strand, the complement: PCDH19 is on the minus strand). VCF-style: chrX-100406542-C-T. GRCh37 (hg19) VCF-style: chrX-99661540-C-T.
Other names: c.2056G>A, p.Gly686Ser (NM_001105243.2, NM_020766.3); short protein forms G686S.
Identifiers: ClinVar variation 2434602 (VCV002434602.5), dbSNP rs2520975696, ClinGen allele CA414001386.

ClinVar aggregate classification (germline): Uncertain significance. Review status: criteria provided, multiple submitters, no conflicts (2 of 4 stars). 2 submissions from 2 submitters: Uncertain significance (2). Last evaluated 2025-07-28.

Conditions:
Developmental and epileptic encephalopathy, 9 (DEE9). Also called: Early infantile epileptic encephalopathy 9; JUBERG-HELLMAN SYNDROME; PCDH19-Related X-Linked Female-Limited Epilepsy with Mental Retardation; EPILEPSY, FEMALE-RESTRICTED, WITH MENTAL RETARDATION. Identifiers: Orphanet 101039, Orphanet 2076, MedGen C1848137, MONDO:0010246, OMIM 300088. Disease mechanism: loss of function.

Allele frequency attached by ClinVar (database versions not stated): gnomAD exomes 0.00001.
gnomAD v4.1: 10 of 1,208,704 alleles (0.00083%); highest among the groups gnomAD compares: South Asian, 0.012%; no homozygotes.

Submissions (2):

Labcorp Genetics (formerly Invitae), Labcorp
Classification: Uncertain significance for Developmental and epileptic encephalopathy, 9. Last evaluated: 2025-07-28. Review status: criteria provided, single submitter. Criteria: Invitae Variant Classification Sherloc (09022015). Collection method: clinical testing. Allele origin: germline.
Comment: This sequence change replaces glycine, which is neutral and non-polar, with serine, which is neutral and polar, at codon 686 of the PCDH19 protein (p.Gly686Ser). This variant is not present in population databases (gnomAD no frequency). This variant has not been reported in the literature in individuals affected with PCDH19-related conditions. ClinVar contains an entry for this variant (Variation ID: 2434602). Invitae Evidence Modeling of protein sequence and biophysical properties (such as structural, functional, and spatial information, amino acid conservation, physicochemical variation, residue mobility, and thermodynamic stability) has been performed for this missense variant. However, the output from this modeling did not meet the statistical confidence thresholds required to predict the impact of this variant on PCDH19 protein function. In summary, the available evidence is currently insufficient to determine the role of this variant in disease. Therefore, it has been classified as a Variant of Uncertain Significance.

Revvity Omics, Revvity
Classification: Uncertain significance for Developmental and epileptic encephalopathy, 9. Last evaluated: 2020-02-26. Review status: criteria provided, single submitter. Criteria: ACMG Guidelines, 2015. Collection method: clinical testing. Allele origin: germline.